The following is an entry in ClinVar:

NM_000535.7(PMS2):c.718A>G (p.Ile240Val)

Gene: PMS2 (PMS1 homolog 2, mismatch repair system component; minus strand). Cytogenetic location: 7p22.1.
Variant type: single nucleotide variant.
Coding change: c.718A>G on transcript NM_000535.7 (MANE Select); coding-DNA position 718, A replaced by G.
Protein change: p.Ile240Val; replaces isoleucine 240 with valine.
Molecular consequence: missense variant. On other transcripts: 5 prime UTR variant (2), non-coding transcript variant (1).
Genome position (GRCh38, 1-based): chr7:5,997,411, T>C on the plus strand (A>G on the coding strand, the complement: PMS2 is on the minus strand). VCF-style: chr7-5997411-T-C. GRCh37 (hg19) VCF-style: chr7-6037042-T-C.
Other names: c.313A>G, p.Ile105Val (NM_001018040.1, NM_001322003.2, NM_001322004.2 and 20 more transcripts); c.718A>G, p.Ile240Val (NM_001322006.2, NM_001322014.2, NM_001406870.1 and 3 more transcripts); c.400A>G, p.Ile134Val (NM_001322007.2, NM_001322008.2, NM_001406876.1 and 4 more transcripts); c.-216A>G (NM_001322011.2, NM_001322012.2); c.145A>G, p.Ile49Val (NM_001322013.2, NM_001406909.1); c.409A>G, p.Ile137Val (NM_001322015.2, NM_001406875.1, NM_001406877.1 and 6 more transcripts); c.904A>G, p.Ile302Val (NM_001406866.1); c.742A>G, p.Ile248Val (NM_001406868.1); and 4 more; short protein forms I128V, I134V, I69V, I105V, I204V, I240V, I248V, I302V.
Identifiers: ClinVar variation 1757576 (VCV001757576.2), dbSNP rs746592049, ClinGen allele CA051338.

ClinVar aggregate classification (germline): Uncertain significance (1 of 4 stars; one submission).

Conditions:
Hereditary cancer-predisposing syndrome. Also called: Neoplastic Syndromes, Hereditary; Tumor predisposition; Hereditary Cancer Syndrome; Hereditary neoplastic syndrome. Identifiers: Orphanet 140162, MedGen C0027672, MeSH D009386, MONDO:0015356.

Allele frequency attached by ClinVar (database versions not stated): ExAC 0.00001.
gnomAD v4.1: 1 of 1,573,456 alleles (0.000064%); highest among the groups gnomAD compares: South Asian, 0.0011%; no homozygotes.

Submission:

Ambry Genetics
Classification: Uncertain significance for Hereditary cancer-predisposing syndrome. Last evaluated: 2021-11-18. Review status: criteria provided, single submitter. Criteria: Ambry Variant Classification Scheme 2023. Collection method: clinical testing. Allele origin: germline.
Comment: The p.I240V variant (also known as c.718A>G), located in coding exon 7 of the PMS2 gene, results from an A to G substitution at nucleotide position 718. The isoleucine at codon 240 is replaced by valine, an amino acid with highly similar properties. This amino acid position is not well conserved in available vertebrate species. In addition, this alteration is predicted to be tolerated by in silico analysis. Since supporting evidence is limited at this time, the clinical significance of this alteration remains unclear.